The following is an entry in ClinVar:

NM_001127255.2(NLRP7):c.1080C>A (p.Gly360=)

Gene: NLRP7 (NLR family pyrin domain containing 7; minus strand). Cytogenetic location: 19q13.42.
Variant type: single nucleotide variant.
Coding change: c.1080C>A on transcript NM_001127255.2 (MANE Select); coding-DNA position 1080, C replaced by A.
Protein change: p.Gly360=; no amino-acid change (glycine 360 retained).
Molecular consequence: synonymous variant.
Genome position (GRCh38, 1-based): chr19:54,939,739, G>T on the plus strand (C>A on the coding strand, the complement: NLRP7 is on the minus strand). VCF-style: chr19-54939739-G-T. GRCh37 (hg19) VCF-style: chr19-55451107-G-T.
Other names: c.1080C>A, p.Gly360= (NM_001405531.1, NM_139176.4, NM_206828.4).
Identifiers: ClinVar variation 127255 (VCV000127255.4), dbSNP rs199475825, ClinGen allele CA230814.

ClinVar aggregate classification (germline): not provided (0 of 4 stars; one submission).

Allele frequency attached by ClinVar (database versions not stated): gnomAD exomes below 0.00001.

Submission:

Human Evolutionary Genetics, Institut Pasteur
No classification provided. Review status: no classification provided. Collection method: not provided. Allele origin: germline.
ClinVar note: Converted during submission from untested to not provided.